The following is an entry in ClinVar:

ClinVar aggregate classification (germline): Uncertain significance (1 of 4 stars; one submission).

Allele frequency attached by ClinVar (database versions not stated): 1000 Genomes Project 30x 0.00016; 1000 Genomes Project 0.00020; gnomAD exomes 0.00001; gnomAD 0.00003; TOPMed 0.00003; ExAC 0.00002.
gnomAD v4.1: 15 of 1,614,164 alleles (0.00093%); highest among the groups gnomAD compares: Middle Eastern, 0.033%; no homozygotes.

Submission:

Labcorp Genetics (formerly Invitae), Labcorp
Classification: Uncertain significance. Last evaluated: 2025-04-14. Review status: criteria provided, single submitter. Criteria: Invitae Variant Classification Sherloc (09022015). Collection method: clinical testing. Allele origin: germline.
Comment: This sequence change replaces alanine, which is neutral and non-polar, with proline, which is neutral and non-polar, at codon 1131 of the KANK1 protein (p.Ala1131Pro). This variant is present in population databases (rs180816986, gnomAD 0.006%). This variant has not been reported in the literature in individuals affected with KANK1-related conditions. ClinVar contains an entry for this variant (Variation ID: 2729781). Invitae Evidence Modeling of protein sequence and biophysical properties (such as structural, functional, and spatial information, amino acid conservation, physicochemical variation, residue mobility, and thermodynamic stability) indicates that this missense variant is expected to disrupt KANK1 protein function with a positive predictive value of 80%. In summary, the available evidence is currently insufficient to determine the role of this variant in disease. Therefore, it has been classified as a Variant of Uncertain Significance.

NM_015158.5(KANK1):c.3391G>C (p.Ala1131Pro)

Genes: KANK1 (KN motif and ankyrin repeat domains 1; plus strand), LOC126860554 (MED14-independent group 3 enhancer GRCh37_chr9:737889-739088; plus strand). Cytogenetic location: 9p24.3.
Variant type: single nucleotide variant.
Coding change: c.3391G>C on transcript NM_015158.5 (MANE Select); coding-DNA position 3391, G replaced by C.
Protein change: p.Ala1131Pro; replaces alanine 1131 with proline.
Molecular consequence: missense variant. On other transcripts: non-coding transcript variant (1).
Genome position (GRCh38, 1-based): chr9:738,342, G>C. VCF-style: chr9-738342-G-C. GRCh37 (hg19) VCF-style: chr9-738342-G-C.
Other names: c.3391G>C, p.Ala1131Pro (NM_001256876.3, NM_001256877.3, NM_001354334.2); c.3151G>C, p.Ala1051Pro (NM_001354331.2); c.3337G>C, p.Ala1113Pro (NM_001354332.2); c.2917G>C, p.Ala973Pro (NM_001354333.2, NM_001354335.2, NM_001354337.2 and 2 more transcripts); c.2623G>C, p.Ala875Pro (NM_001354336.2); c.2863G>C, p.Ala955Pro (NM_001354338.2, NM_001354340.2, NM_001354344.2); c.2677G>C, p.Ala893Pro (NM_001354339.2, NM_001354342.2, NM_001354343.2); short protein forms A1113P, A1051P, A1131P, A875P, A955P, A893P, A973P.
Identifiers: ClinVar variation 2729781 (VCV002729781.3), dbSNP rs180816986, ClinGen allele CA4960942.